The following is an entry in ClinVar:

NM_005857.5(ZMPSTE24):c.1259_1270dup (p.Lys423_Lys424insThrPheAlaLys)

Gene: ZMPSTE24 (zinc metallopeptidase STE24; plus strand). Cytogenetic location: 1p34.2.
Variant type: Duplication.
Coding change: c.1259_1270dup on transcript NM_005857.5 (MANE Select); coding-DNA positions 1259 to 1270, 12 bases duplicated (CATTTGCCAAGA).
Protein change: p.Lys423_Lys424insThrPheAlaLys.
Molecular consequence: inframe insertion.
Genome position (GRCh38, 1-based): chr1:40,292,500-40,292,511, CATTTGCCAAGA duplicated. VCF-style (leftmost placement, unchanged base first): chr1-40292499-G-GCATTTGCCAAGA. GRCh37 (hg19) VCF-style: chr1-40758171-G-GCATTTGCCAAGA.
Identifiers: ClinVar variation 3382730 (VCV003382730.3).

ClinVar aggregate classification (germline): Likely pathogenic (1 of 4 stars; one submission).

Conditions:
Restrictive dermopathy 1 (RSDM1). Also called: FETAL HYPOKINESIA SEQUENCE DUE TO RESTRICTIVE DERMOPATHY; HYPERKERATOSIS-CONTRACTURE SYNDROME; RESTRICTIVE DERMOPATHY 1, LETHAL. Identifiers: MedGen C5676878, MONDO:0800042, OMIM 275210.
Mandibuloacral dysplasia with type B lipodystrophy (MADB). Also called: LIPODYSTROPHY, TYPE B, ASSOCIATED WITH MANDIBULOACRAL DYSPLASIA. Identifiers: Orphanet 2457, Orphanet 90154, MedGen C1837756, MONDO:0012074, OMIM 608612.

Submission:

Juno Genomics, Hangzhou Juno Genomics, Inc
Classification: Likely pathogenic for Mandibuloacral dysplasia with type B lipodystrophy; Restrictive dermopathy 1. Review status: criteria provided, single submitter. Criteria: ACMG Guidelines, 2015. Collection method: clinical testing. Allele origin: germline.
Comment: Absent from controls (or at extremely low frequency if recessive) in Genome Aggregation Database.;Protein length changes due to in-frame deletions/insertions in a non-repeat region or stop-loss variants.;For recessive disorders, detected in trans with a pathogenic variant.;Patient's phenotype or family history is highly specific for a disease with a single genetic etiology.